The following is an entry in ClinVar:

NM_133261.3(GIPC3):c.667C>T (p.Arg223Trp)

Gene: GIPC3 (GIPC PDZ domain containing family member 3; plus strand). Cytogenetic location: 19p13.3.
Variant type: single nucleotide variant.
Coding change: c.667C>T on transcript NM_133261.3 (MANE Select); coding-DNA position 667, C replaced by T.
Protein change: p.Arg223Trp; replaces arginine 223 with tryptophan.
Molecular consequence: missense variant.
Genome position (GRCh38, 1-based): chr19:3,589,517, C>T. VCF-style: chr19-3589517-C-T. GRCh37 (hg19) VCF-style: chr19-3589515-C-T.
Other names: short protein forms R223W.
Identifiers: ClinVar variation 1691609 (VCV001691609.4), dbSNP rs200322282, ClinGen allele CA9080483.

ClinVar aggregate classification (germline): Uncertain significance (1 of 4 stars; one submission).

Allele frequency attached by ClinVar (database versions not stated): ExAC 0.00006; gnomAD 0.00006 and 0.00007; gnomAD exomes 0.00006; TOPMed 0.00010; 1000 Genomes Project 30x 0.00016; 1000 Genomes Project 0.00020.

Submission:

GeneDx
Classification: Uncertain significance. Last evaluated: 2025-07-23. Review status: criteria provided, single submitter. Criteria: GeneDx Variant Classification Process June 2021. Collection method: clinical testing. Allele origin: germline. Affected: yes.
Comment: In silico analysis supports that this missense variant has a deleterious effect on protein structure/function; Has not been previously published as pathogenic or benign to our knowledge